The following is an entry in ClinVar:

NM_002291.3(LAMB1):c.55G>A (p.Val19Met)

Gene: LAMB1 (laminin subunit beta 1; minus strand). Cytogenetic location: 7q31.1.
Variant type: single nucleotide variant.
Coding change: c.55G>A on transcript NM_002291.3 (MANE Select); coding-DNA position 55, G replaced by A.
Protein change: p.Val19Met; replaces valine 19 with methionine.
Molecular consequence: missense variant.
Genome position (GRCh38, 1-based): chr7:108,001,716, C>T on the plus strand (G>A on the coding strand, the complement: LAMB1 is on the minus strand). VCF-style: chr7-108001716-C-T. GRCh37 (hg19) VCF-style: chr7-107642161-C-T.
Other names: short protein forms V19M.
Identifiers: ClinVar variation 373571 (VCV000373571.1), dbSNP rs757479645, ClinGen allele CA4436416.

ClinVar aggregate classification (germline): Uncertain significance (1 of 4 stars; one submission).

Allele frequency attached by ClinVar (database versions not stated): gnomAD exomes below 0.00001; ExAC 0.00001; TOPMed 0.00005; gnomAD 0.00003.
gnomAD v4.1: 6 of 1,612,800 alleles (0.00037%); highest among the groups gnomAD compares: African/African-American, 0.0053%; no homozygotes.

Submission:

GeneDx
Classification: Uncertain significance. Last evaluated: 2016-12-01. Review status: criteria provided, single submitter. Criteria: GeneDx Variant Classification (06012015). Collection method: clinical testing. Allele origin: germline. Affected: yes.
Comment: A variant of uncertain significance has been identified in the LAMB1 gene. The V19M variant has not been published as a pathogenic variant, nor has it been reported as a benign variant to our knowledge. It was not observed in approximately 6,500 individuals of European and African American ancestry in the NHLBI Exome Sequencing Project, indicating it is not a common benign variant in these populations. The V19M variant is a conservative amino acid substitution, which is not likely to impact secondary protein structure as these residues share similar properties. This substitution occurs at a position where amino acids with similar properties to Valine are tolerated across species. In silico analysis is inconsistent in its predictions as to whether or not the variant is damaging to the protein structure/function. Based on the currently available information, it is unclear whether this variant is a pathogenic variant or a rare benign variant.